The following is an entry in ClinVar:

ClinVar aggregate classification (germline): Uncertain significance (1 of 4 stars; one submission).

Conditions:
Hereditary cancer-predisposing syndrome. Also called: Tumor predisposition; Neoplastic Syndromes, Hereditary; Hereditary neoplastic syndrome; Hereditary Cancer Syndrome. Identifiers: Orphanet 140162, MedGen C0027672, MeSH D009386, MONDO:0015356.

Submission:

Ambry Genetics
Classification: Uncertain significance for Hereditary cancer-predisposing syndrome. Last evaluated: 2025-08-27. Review status: criteria provided, single submitter. Criteria: Ambry Variant Classification Scheme 2023. Collection method: clinical testing. Allele origin: germline.
Comment: The p.H435L variant (also known as c.1304A>T), located in coding exon 13 of the MUTYH gene, results from an A to T substitution at nucleotide position 1304. The histidine at codon 435 is replaced by leucine, an amino acid with similar properties. This amino acid position is conserved. In addition, this alteration is predicted to be tolerated by in silico analysis. Based on the available evidence, the clinical significance of this variant remains unclear.

NM_001048174.2(MUTYH):c.1220A>T (p.His407Leu)

Gene: MUTYH (mutY DNA glycosylase; minus strand). Cytogenetic location: 1p34.1.
Variant type: single nucleotide variant.
Coding change: c.1220A>T on transcript NM_001048174.2 (MANE Select); coding-DNA position 1220, A replaced by T.
Protein change: p.His407Leu; replaces histidine 407 with leucine.
Molecular consequence: missense variant. On other transcripts: non-coding transcript variant (7).
Genome position (GRCh38, 1-based): chr1:45,331,439, T>A on the plus strand (A>T on the coding strand, the complement: MUTYH is on the minus strand). VCF-style: chr1-45331439-T-A. GRCh37 (hg19) VCF-style: chr1-45797111-T-A.
Other names: c.1220A>T, p.His407Leu (NM_001048171.2, NM_001048173.2, NM_001407072.1 and 6 more transcripts); c.1223A>T, p.His408Leu (NM_001048172.2, NM_001407071.1, NM_001407078.1 and 1 more transcripts); c.1304A>T, p.His435Leu (NM_001128425.2); c.1136A>T, p.His379Leu (NM_001407075.1); c.1253A>T, p.His418Leu (NM_001407077.1, NM_001293191.2, NM_001407069.1); c.1181A>T, p.His394Leu (NM_001407079.1); c.1178A>T, p.His393Leu (NM_001407080.1); c.875A>T, p.His292Leu (NM_001407082.1, NM_001350650.2, NM_001350651.2); and 5 more; short protein forms H418L, H422L, H432L, H435L, H292L, H315L, H407L, H414L.
Identifiers: ClinVar variation 4113167 (VCV004113167.1).
Genomic context (GRCh38, chr1:45,331,439, plus strand): 5'-CTCAAAAGCCAACATCCTTGGCTATTCCGCTGCTCACTTACCTCCCCAAGGTGCCGGAGG[T>A]GCGTGGCTGGGAGGGGCCCAGCCCAACGCTGTAGTTCCTGCAGCAGGGCCTTGCGCTGAA-3'
Protein context (NP_001041639.1, residues 397-417): QRWAGPLPAT[His407Leu]LRHLGEVVHT